The following is an entry in ClinVar:

ClinVar aggregate classification (germline): Conflicting classifications of pathogenicity. Review status: criteria provided, conflicting classifications (1 of 4 stars). 3 submissions from 3 submitters: Uncertain significance (1); Benign (1); Likely benign (1). Last evaluated 2025-04-29.

Conditions:
Norman-Roberts syndrome (LIS2). Also called: Lissencephaly 2 (Norman-Roberts type). Identifiers: Orphanet 89844, MedGen C0796089, MONDO:0009760, OMIM 257320.
Familial temporal lobe epilepsy 7. Identifiers: Orphanet 101046, MedGen C4225327, MONDO:0014639, OMIM 616436.
Inborn genetic diseases. Identifiers: MedGen C0950123, MeSH D030342.

Allele frequency attached by ClinVar (database versions not stated): ExAC 0.00009; gnomAD 0.00010 and 0.00012; gnomAD exomes 0.00011 and 0.00015; TOPMed 0.00012; ESP Exome Variant Server 0.00038.
gnomAD v4.1: 226 of 1,613,846 alleles (0.014%); highest among the groups gnomAD compares: Non-Finnish European, 0.018%; 1 homozygote.

Submissions (3):

Ambry Genetics
Classification: Uncertain significance for Inborn genetic diseases. Last evaluated: 2025-04-29. Review status: criteria provided, single submitter. Criteria: Ambry Variant Classification Scheme 2023. Collection method: clinical testing. Allele origin: germline.

Labcorp Genetics (formerly Invitae), Labcorp
Classification: Benign for Familial temporal lobe epilepsy 7; Norman-Roberts syndrome. Last evaluated: 2025-02-02. Review status: criteria provided, single submitter. Criteria: Invitae Variant Classification Sherloc (09022015). Collection method: clinical testing. Allele origin: germline.

CeGaT Center for Human Genetics Tuebingen
Classification: Likely benign. Last evaluated: 2022-10-01. Review status: criteria provided, single submitter. Criteria: CeGaT Center For Human Genetics Tuebingen Variant Classification Criteria Version 2. Collection method: clinical testing. Allele origin: germline. Affected: yes. Observed: 1 variant allele.
Comment: RELN: BP4, BS2

NM_005045.4(RELN):c.7268G>A (p.Arg2423His)

Gene: RELN (reelin; minus strand). Cytogenetic location: 7q22.1.
Variant type: single nucleotide variant.
Coding change: c.7268G>A on transcript NM_005045.4 (MANE Select); coding-DNA position 7268, G replaced by A.
Protein change: p.Arg2423His; replaces arginine 2423 with histidine.
Molecular consequence: missense variant.
Genome position (GRCh38, 1-based): chr7:103,535,397, C>T on the plus strand (G>A on the coding strand, the complement: RELN is on the minus strand). VCF-style: chr7-103535397-C-T. GRCh37 (hg19) VCF-style: chr7-103175844-C-T.
Other names: c.7268G>A, p.Arg2423His (NM_173054.3); short protein forms R2423H.
Identifiers: ClinVar variation 939392 (VCV000939392.37), dbSNP rs140660860, ClinGen allele CA4420770.